The following is an entry in ClinVar:

NM_022489.4(INF2):c.384C>T (p.Leu128=)

Gene: INF2 (inverted formin 2; plus strand). Cytogenetic location: 14q32.33.
Variant type: single nucleotide variant.
Coding change: c.384C>T on transcript NM_022489.4 (MANE Select); coding-DNA position 384, C replaced by T.
Protein change: p.Leu128=; no amino-acid change (leucine 128 retained).
Molecular consequence: synonymous variant.
Genome position (GRCh38, 1-based): chr14:104,701,749, C>T. VCF-style: chr14-104701749-C-T. GRCh37 (hg19) VCF-style: chr14-105168086-C-T.
Other names: c.384C>T, p.Leu128= (NM_001031714.4, NM_032714.3); c.384C>T (NM_022489.3).
Identifiers: ClinVar variation 1636107 (VCV001636107.9), dbSNP rs536296013, ClinGen allele CA7372275.

ClinVar aggregate classification (germline): Benign/Likely benign. Review status: criteria provided, multiple submitters, no conflicts (2 of 4 stars). 2 submissions from 2 submitters: Benign (1); Likely benign (1). Last evaluated 2026-07-07.

Conditions:
INF2-related disorder. Also called: INF2-related condition.
Focal segmental glomerulosclerosis 5 (FSGS5). Identifiers: Orphanet 656, MedGen C2750475, MONDO:0013191, OMIM 613237.
Charcot-Marie-Tooth disease dominant intermediate E. Also called: CHARCOT-MARIE-TOOTH NEUROPATHY WITH FOCAL SEGMENTAL GLOMERULONEPHRITIS. Identifiers: Orphanet 93114, MedGen C4302667, MONDO:0013758, OMIM 614455.

Allele frequency attached by ClinVar (database versions not stated): TOPMed below 0.00001; gnomAD 0.00002; ExAC 0.00012; 1000 Genomes Project 30x 0.00016; 1000 Genomes Project 0.00020.
gnomAD v4.1: 63 of 1,509,356 alleles (0.0042%); highest among the groups gnomAD compares: South Asian, 0.071%; 1 homozygote.

Submissions (2):

PreventionGenetics, part of Exact Sciences
Classification: Likely benign for INF2-related condition. Last evaluated: 2026-07-07. Review status: criteria provided, single submitter. Criteria: ACMG Guidelines, 2015. Collection method: clinical testing. Allele origin: germline.
Comment: This variant is classified as likely benign based on ACMG/AMP sequence variant interpretation guidelines (Richards et al. 2015 PMID: 25741868, with internal and published modifications).

Labcorp Genetics (formerly Invitae), Labcorp
Classification: Benign for Charcot-Marie-Tooth disease dominant intermediate E; Focal segmental glomerulosclerosis 5. Last evaluated: 2025-10-17. Review status: criteria provided, single submitter. Criteria: Invitae Variant Classification Sherloc (09022015). Collection method: clinical testing. Allele origin: germline.